The following is an entry in ClinVar:

NM_001211.6(BUB1B):c.68A>T (p.Glu23Val)

Gene: BUB1B (BUB1 mitotic checkpoint serine/threonine kinase B; plus strand). Cytogenetic location: 15q15.1.
Variant type: single nucleotide variant.
Coding change: c.68A>T on transcript NM_001211.6 (MANE Select); coding-DNA position 68, A replaced by T.
Protein change: p.Glu23Val; replaces glutamic acid 23 with valine.
Molecular consequence: missense variant.
Genome position (GRCh38, 1-based): chr15:40,165,085, A>T. VCF-style: chr15-40165085-A-T. GRCh37 (hg19) VCF-style: chr15-40457286-A-T.
Other names: short protein forms E23V.
Identifiers: ClinVar variation 1756047 (VCV001756047.3), dbSNP rs999773545, ClinGen allele CA268764652.

ClinVar aggregate classification (germline): Uncertain significance (1 of 4 stars; one submission).

Conditions:
Inborn genetic diseases. Identifiers: MedGen C0950123, MeSH D030342.

Allele frequency attached by ClinVar (database versions not stated): TOPMed 0.00001; gnomAD exomes below 0.00001.
gnomAD v4.1: 1 of 1,614,202 alleles (0.000062%); highest among the groups gnomAD compares: Non-Finnish European, 0.000085%; no homozygotes.

Submission:

Ambry Genetics
Classification: Uncertain significance for Inborn genetic diseases. Last evaluated: 2025-04-24. Review status: criteria provided, single submitter. Criteria: Ambry Variant Classification Scheme 2023. Collection method: clinical testing. Allele origin: germline.
Comment: The p.E23V variant (also known as c.68A>T), located in coding exon 2 of the BUB1B gene, results from an A to T substitution at nucleotide position 68. The glutamic acid at codon 23 is replaced by valine, an amino acid with dissimilar properties. This amino acid position is conserved. In addition, this alteration is predicted to be deleterious by in silico analysis. Since supporting evidence is limited at this time, the clinical significance of this alteration remains unclear.